The following is an entry in ClinVar:

NM_001042424.3(NSD2):c.367G>T (p.Glu123Ter)

Gene: NSD2 (nuclear receptor binding SET domain protein 2; plus strand). Cytogenetic location: 4p16.3.
Variant type: single nucleotide variant.
Coding change: c.367G>T on transcript NM_001042424.3 (MANE Select); coding-DNA position 367, G replaced by T.
Protein change: p.Glu123Ter; replaces glutamic acid 123 with a stop codon.
Molecular consequence: nonsense.
Genome position (GRCh38, 1-based): chr4:1,901,021, G>T. VCF-style: chr4-1901021-G-T. GRCh37 (hg19) VCF-style: chr4-1902748-G-T.
Other names: c.367G>T, p.Glu123Ter (NM_007331.2, NM_133330.3, NM_133331.3 and 2 more transcripts); short protein forms E123*.
Identifiers: ClinVar variation 2584531 (VCV002584531.1), dbSNP rs2474219766, ClinGen allele CA355992023.

ClinVar aggregate classification (germline): Pathogenic (1 of 4 stars; one submission).

Conditions:
NSD2-related disorder. Also called: NSD2-related condition; NSD2 related disorders.

Submission:

Rady Children's Institute for Genomic Medicine, Rady Children's Hospital San Diego
Classification: Pathogenic for NSD2 related disorders. Review status: criteria provided, single submitter. Criteria: ACMG Guidelines, 2015. Collection method: clinical testing. Allele origin: germline. Affected: yes.
Comment: This nonsense variant found in exon 4 of 24 is predicted to result in loss of normal protein function through either protein truncation or nonsense-mediated mRNA decay (NMD), and this variant is upstream of numerous variants reported in the literature (PMID: 31382906, 30345613). This variant has not been previously reported or functionally characterized in the literature to our knowledge. The NSD2 gene is constrained against variation (Z-score=3.9 and pLI=1), and loss-of-function variants are an established mechanism of disease (PMID: 29892088, 30345613, 31382906, 31171569). The c.367G>T (p.Glu123Ter) variant is absent from the gnomAD population database and thus is presumed to be rare. Analysis of the parental samples was negative for the variant, indicating this variant likely occurred as a de novo event. Based on the available evidence, the c.367G>T (p.Glu123Ter) variant is classified as Pathogenic.